The following is an entry in ClinVar:

ClinVar aggregate classification (germline): Likely benign. Review status: criteria provided, multiple submitters, no conflicts (2 of 4 stars). 2 submissions from 2 submitters: Likely benign (2). Last evaluated 2026-01-24.

Conditions:
MHC class I deficiency. Identifiers: Orphanet 34592, MedGen C6024714, MONDO:0011476.

Allele frequency attached by ClinVar (database versions not stated): ESP Exome Variant Server 0.00024; TOPMed 0.00025.
gnomAD v4.1: 392 of 1,612,986 alleles (0.024%); highest among the groups gnomAD compares: Non-Finnish European, 0.031%; 1 homozygote.

Submissions (2):

Labcorp Genetics (formerly Invitae), Labcorp
Classification: Likely benign for MHC class I deficiency 1. Last evaluated: 2026-01-24. Review status: criteria provided, single submitter. Criteria: Invitae Variant Classification Sherloc (09022015). Collection method: clinical testing. Allele origin: germline.

CeGaT Center for Human Genetics Tuebingen
Classification: Likely benign. Last evaluated: 2024-07-01. Review status: criteria provided, single submitter. Criteria: CeGaT Center For Human Genetics Tuebingen Variant Classification Criteria Version 2. Collection method: clinical testing. Allele origin: germline. Affected: yes. Observed: 1 variant allele.
Comment: TAP1: BP4, BP7

NM_000593.6(TAP1):c.1674C>T (p.Thr558=)

Gene: TAP1 (transporter 1, ATP binding cassette subfamily B member; minus strand). Cytogenetic location: 6p21.32.
Variant type: single nucleotide variant.
Coding change: c.1674C>T on transcript NM_000593.6 (MANE Select); coding-DNA position 1674, C replaced by T.
Protein change: p.Thr558=; no amino-acid change (threonine 558 retained).
Molecular consequence: synonymous variant.
Genome position (GRCh38, 1-based): chr6:32,847,985, G>A on the plus strand (C>T on the coding strand, the complement: TAP1 is on the minus strand). VCF-style: chr6-32847985-G-A. GRCh37 (hg19) VCF-style: chr6-32815762-G-A.
Other names: c.1071C>T, p.Thr357= (NM_001292022.2).
Identifiers: ClinVar variation 731998 (VCV000731998.27), dbSNP rs377621191, ClinGen allele CA3746713.